The following is an entry in ClinVar:

ClinVar aggregate classification (germline): Uncertain significance (1 of 4 stars; one submission).

gnomAD v4.1: 1 of 1,607,808 alleles (0.000062%); highest among the groups gnomAD compares: Non-Finnish European, 0.000085%; no homozygotes.

Submission:

Ambry Genetics
Classification: Uncertain significance. Last evaluated: 2024-12-21. Review status: criteria provided, single submitter. Criteria: Ambry Variant Classification Scheme 2023. Collection method: clinical testing. Allele origin: germline.
Comment: The p.C129W variant (also known as c.387T>G), located in coding exon 3 of the RECQL gene, results from a T to G substitution at nucleotide position 387. The cysteine at codon 129 is replaced by tryptophan, an amino acid with highly dissimilar properties. This amino acid position is conserved. In addition, this alteration is predicted to be deleterious by in silico analysis. Based on the available evidence, the clinical significance of this variant remains unclear.

NM_002907.4(RECQL):c.387T>G (p.Cys129Trp)

Gene: RECQL (RecQ like helicase; minus strand). Cytogenetic location: 12p12.1.
Variant type: single nucleotide variant.
Coding change: c.387T>G on transcript NM_002907.4 (MANE Select); coding-DNA position 387, T replaced by G.
Protein change: p.Cys129Trp; replaces cysteine 129 with tryptophan.
Molecular consequence: missense variant.
Genome position (GRCh38, 1-based): chr12:21,490,206, A>C on the plus strand (T>G on the coding strand, the complement: RECQL is on the minus strand). VCF-style: chr12-21490206-A-C. GRCh37 (hg19) VCF-style: chr12-21643140-A-C.
Other names: c.387T>G, p.Cys129Trp (NM_032941.3); short protein forms C129W.
Identifiers: ClinVar variation 3787904 (VCV003787904.1).
Genomic context (GRCh38, chr12:21,490,206, plus strand): 5'-GGTATGATGACAAAGCACTTCTTCAACTCAAAATTAATTTTTTTAGTACATACCATCTGA[A>C]CATAATGCTGGTAACTGGTAACATAAGCTCTTTCCACCTCCTGTAGGCATAACAAGAAAT-3'
Protein context (NP_002898.2, residues 119-139): KSLCYQLPAL[Cys129Trp]SDGFTLVICP